The following is an entry in ClinVar:

NM_003280.3(TNNC1):c.289C>A (p.Leu97Met)

Gene: TNNC1 (troponin C1, slow skeletal and cardiac type; minus strand). Cytogenetic location: 3p21.1.
Variant type: single nucleotide variant.
Coding change: c.289C>A on transcript NM_003280.3 (MANE Select); coding-DNA position 289, C replaced by A.
Protein change: p.Leu97Met; replaces leucine 97 with methionine.
Molecular consequence: missense variant.
Genome position (GRCh38, 1-based): chr3:52,451,772, G>T on the plus strand (C>A on the coding strand, the complement: TNNC1 is on the minus strand). VCF-style: chr3-52451772-G-T. GRCh37 (hg19) VCF-style: chr3-52485788-G-T.
Other names: short protein forms L97M.
Identifiers: ClinVar variation 4786676 (VCV004786676.1).

ClinVar aggregate classification (germline): Uncertain significance (1 of 4 stars; one submission).

Conditions:
Hypertrophic cardiomyopathy 13. Also called: TNNC1-Related Familial Hypertrophic Cardiomyopathy. Identifiers: MedGen C2750472, MONDO:0013195, OMIM 613243.
Dilated cardiomyopathy 1Z (CMD1Z). Identifiers: Orphanet 154, MedGen C2678475, MONDO:0012745, OMIM 611879.

Submission:

Labcorp Genetics (formerly Invitae), Labcorp
Classification: Uncertain significance for Hypertrophic cardiomyopathy 13; Dilated cardiomyopathy 1Z. Last evaluated: 2025-11-11. Review status: criteria provided, single submitter. Criteria: Invitae Variant Classification Sherloc (09022015). Collection method: clinical testing. Allele origin: germline.
Comment: This sequence change replaces leucine, which is neutral and non-polar, with methionine, which is neutral and non-polar, at codon 97 of the TNNC1 protein (p.Leu97Met). This variant is not present in population databases (gnomAD no frequency). This variant has not been reported in the literature in individuals affected with TNNC1-related conditions. An algorithm developed to predict the effect of missense changes on protein structure and function (PolyPhen-2) suggests that this variant is likely to be tolerated. In summary, the available evidence is currently insufficient to determine the role of this variant in disease. Therefore, it has been classified as a Variant of Uncertain Significance.